The following is an entry in ClinVar:

NM_000136.3(FANCC):c.1309C>A (p.Gln437Lys)

Genes: AOPEP (aminopeptidase O (putative); plus strand), FANCC (FA complementation group C; minus strand). Cytogenetic location: 9q22.32.
Variant type: single nucleotide variant.
Coding change: c.1309C>A on transcript NM_000136.3 (MANE Select); coding-DNA position 1309, C replaced by A.
Protein change: p.Gln437Lys; replaces glutamine 437 with lysine.
Molecular consequence: missense variant.
Genome position (GRCh38, 1-based): chr9:95,111,483, G>T on the plus strand (C>A on the coding strand, the complement: FANCC is on the minus strand). VCF-style: chr9-95111483-G-T. GRCh37 (hg19) VCF-style: chr9-97873765-G-T.
Other names: c.1309C>A, p.Gln437Lys (NM_001243743.2, NM_001243744.2); short protein forms Q437K.
Identifiers: ClinVar variation 4254392 (VCV004254392.1).

ClinVar aggregate classification (germline): Uncertain significance (1 of 4 stars; one submission).

Conditions:
Hereditary cancer-predisposing syndrome. Also called: Hereditary Cancer Syndrome; Hereditary neoplastic syndrome; Neoplastic Syndromes, Hereditary; Tumor predisposition. Identifiers: Orphanet 140162, MedGen C0027672, MeSH D009386, MONDO:0015356.

gnomAD v4.1: 1 of 1,613,630 alleles (0.000062%); highest among the groups gnomAD compares: South Asian, 0.0011%; no homozygotes.

Submission:

Ambry Genetics
Classification: Uncertain significance for Hereditary cancer-predisposing syndrome. Last evaluated: 2025-08-09. Review status: criteria provided, single submitter. Criteria: Ambry Variant Classification Scheme 2023. Collection method: clinical testing. Allele origin: germline.
Comment: The p.Q437K variant (also known as c.1309C>A), located in coding exon 12 of the FANCC gene, results from a C to A substitution at nucleotide position 1309. The glutamine at codon 437 is replaced by lysine, an amino acid with similar properties. This amino acid position is conserved. In addition, this alteration is predicted to be tolerated by in silico analysis. Based on the available evidence, the clinical significance of this variant remains unclear.